The following is an entry in ClinVar:

NM_025179.4(PLXNA2):c.706G>C (p.Val236Leu)

Gene: PLXNA2 (plexin A2; minus strand). Cytogenetic location: 1q32.2.
Variant type: single nucleotide variant.
Coding change: c.706G>C on transcript NM_025179.4 (MANE Select); coding-DNA position 706, G replaced by C.
Protein change: p.Val236Leu; replaces valine 236 with leucine.
Molecular consequence: missense variant.
Genome position (GRCh38, 1-based): chr1:208,217,217, C>G on the plus strand (G>C on the coding strand, the complement: PLXNA2 is on the minus strand). VCF-style: chr1-208217217-C-G. GRCh37 (hg19) VCF-style: chr1-208390562-C-G.
Other names: short protein forms V236L.
Identifiers: ClinVar variation 4140121 (VCV004140121.2).

ClinVar aggregate classification (germline): Uncertain significance. Review status: criteria provided, multiple submitters, no conflicts (2 of 4 stars). 2 submissions from 2 submitters: Uncertain significance (2). Last evaluated 2026-09-15.

Conditions:
PLXNA2-related disorder. Also called: PLXNA2-related condition.

gnomAD v4.1: 4 of 1,614,110 alleles (0.00025%); highest among the groups gnomAD compares: African/African-American, 0.004%; no homozygotes.

Submissions (2):

PreventionGenetics, part of Exact Sciences
Classification: Uncertain significance for PLXNA2-related condition. Last evaluated: 2026-09-15. Review status: criteria provided, single submitter. Criteria: ACMG Guidelines, 2015. Collection method: clinical testing. Allele origin: germline.
Comment: The PLXNA2 c.706G>C variant is predicted to result in the amino acid substitution p.Val236Leu. To our knowledge, this variant has not been reported in the literature. This variant is reported in 0.0040% of alleles in individuals of African descent in gnomAD. At this time, the clinical significance of this variant is uncertain due to the absence of conclusive functional and genetic evidence.

Ambry Genetics
Classification: Uncertain significance. Last evaluated: 2025-09-01. Review status: criteria provided, single submitter. Criteria: Ambry Variant Classification Scheme 2023. Collection method: clinical testing. Allele origin: germline.